The following is an entry in ClinVar:

NM_001372078.1(REV3L):c.3695A>T (p.Lys1232Ile)

Gene: REV3L (REV3 like, DNA directed polymerase zeta catalytic subunit; minus strand). Cytogenetic location: 6q21.
Variant type: single nucleotide variant.
Coding change: c.3695A>T on transcript NM_001372078.1 (MANE Select); coding-DNA position 3695, A replaced by T.
Protein change: p.Lys1232Ile; replaces lysine 1232 with isoleucine.
Molecular consequence: missense variant.
Genome position (GRCh38, 1-based): chr6:111,374,660, T>A on the plus strand (A>T on the coding strand, the complement: REV3L is on the minus strand). VCF-style: chr6-111374660-T-A. GRCh37 (hg19) VCF-style: chr6-111695863-T-A.
Other names: c.3461A>T, p.Lys1154Ile (NM_001286431.2, NM_001286432.2); c.3695A>T, p.Lys1232Ile (NM_002912.5); short protein forms K1232I, K1154I.
Identifiers: ClinVar variation 740018 (VCV000740018.18), dbSNP rs146748044, ClinGen allele CA3962154.

ClinVar aggregate classification (germline): Benign/Likely benign. Review status: criteria provided, multiple submitters, no conflicts (2 of 4 stars). 2 submissions from 2 submitters: Benign (1); Likely benign (1). Last evaluated 2024-11-01.

Allele frequency attached by ClinVar (database versions not stated): TOPMed 0.00045; gnomAD 0.00046 and 0.00053; gnomAD exomes 0.00051 and 0.00098; ESP Exome Variant Server 0.00054; 1000 Genomes Project 0.00080; ExAC 0.00084; 1000 Genomes Project 30x 0.00094.
gnomAD v4.1: 859 of 1,613,644 alleles (0.053%); highest among the groups gnomAD compares: South Asian, 0.27%; 8 homozygotes.

Submissions (2):

CeGaT Center for Human Genetics Tuebingen
Classification: Likely benign. Last evaluated: 2024-11-01. Review status: criteria provided, single submitter. Criteria: CeGaT Center For Human Genetics Tuebingen Variant Classification Criteria Version 2. Collection method: clinical testing. Allele origin: germline. Affected: yes. Observed: 1 variant allele.
Comment: REV3L: BP4, BS1

Labcorp Genetics (formerly Invitae), Labcorp
Classification: Benign. Last evaluated: 2019-12-31. Review status: criteria provided, single submitter. Criteria: Invitae Variant Classification Sherloc (09022015). Collection method: clinical testing. Allele origin: germline.